The following is an entry in ClinVar:

NM_003809.3(TNFSF12):c.607C>T (p.Leu203Phe)

Genes: TNFSF12 (TNF superfamily member 12; plus strand), TNFSF12-TNFSF13 (TNFSF12-TNFSF13 readthrough; plus strand). Cytogenetic location: 17p13.1.
Variant type: single nucleotide variant.
Coding change: c.607C>T on transcript NM_003809.3 (MANE Select); coding-DNA position 607, C replaced by T.
Protein change: p.Leu203Phe; replaces leucine 203 with phenylalanine.
Molecular consequence: missense variant. On other transcripts: non-coding transcript variant (1), intron variant (1).
Genome position (GRCh38, 1-based): chr17:7,557,207, C>T. VCF-style: chr17-7557207-C-T. GRCh37 (hg19) VCF-style: chr17-7460524-C-T.
Other names: c.498+305C>T (NM_172089.4); short protein forms L203F.
Identifiers: ClinVar variation 2824425 (VCV002824425.3), dbSNP rs2071083251, ClinGen allele CA397863681.

ClinVar aggregate classification (germline): Uncertain significance (1 of 4 stars; one submission).

Conditions:
Common variable immunodeficiency (CVID). Also called: Common variable hypogamma-globulinemia; Common variable agammaglobulinemia. Identifiers: Orphanet 1572, MedGen C0009447, MONDO:0015517.

Allele frequency attached by ClinVar (database versions not stated): TOPMed below 0.00001.

Submission:

Labcorp Genetics (formerly Invitae), Labcorp
Classification: Uncertain significance for Common variable immunodeficiency. Last evaluated: 2023-11-22. Review status: criteria provided, single submitter. Criteria: Invitae Variant Classification Sherloc (09022015). Collection method: clinical testing. Allele origin: germline.
Comment: This sequence change replaces leucine, which is neutral and non-polar, with phenylalanine, which is neutral and non-polar, at codon 203 of the TNFSF12 protein (p.Leu203Phe). This variant is not present in population databases (gnomAD no frequency). This variant has not been reported in the literature in individuals affected with TNFSF12-related conditions. An algorithm developed to predict the effect of missense changes on protein structure and function (PolyPhen-2) suggests that this variant is likely to be disruptive. In summary, the available evidence is currently insufficient to determine the role of this variant in disease. Therefore, it has been classified as a Variant of Uncertain Significance.